The following is an entry in ClinVar:

NM_006096.4(NDRG1):c.944-1G>C

Gene: NDRG1 (N-myc downstream regulated 1; minus strand). Cytogenetic location: 8q24.22.
Variant type: single nucleotide variant.
Coding change: c.944-1G>C on transcript NM_006096.4 (MANE Select); the canonical splice acceptor site of the intron before coding-DNA position 944, G replaced by C.
Molecular consequence: splice acceptor variant.
Genome position (GRCh38, 1-based): chr8:133,239,120, C>G on the plus strand (G>C on the coding strand, the complement: NDRG1 is on the minus strand). VCF-style: chr8-133239120-C-G. GRCh37 (hg19) VCF-style: chr8-134251363-C-G.
Other names: c.746-1G>C (NM_001258432.2, NM_001374847.1); c.701-1G>C (NM_001258433.2); c.995-1G>C (NM_001374844.1); c.944-1G>C (NM_001135242.2, NM_001374845.1, NM_001374846.1).
Identifiers: ClinVar variation 4815496 (VCV004815496.1).

ClinVar aggregate classification (germline): Likely pathogenic (1 of 4 stars; one submission).

Conditions:
Charcot-Marie-Tooth disease type 4D. Also called: CHARCOT-MARIE-TOOTH DISEASE, DEMYELINATING, TYPE 4D; CHARCOT-MARIE-TOOTH DISEASE, DEMYELINATING, AUTOSOMAL RECESSIVE, TYPE 4D; NEUROPATHY, HEREDITARY MOTOR AND SENSORY, LOM TYPE; Charcot-Marie-Tooth Neuropathy Type 4D. Identifiers: Orphanet 99950, MedGen C1832334, MONDO:0011085, OMIM 601455.

Submission:

Natera, Inc.
Classification: Likely pathogenic for Charcot-Marie-Tooth disease type 4D. Last evaluated: 2025-08-29. Review status: criteria provided, single submitter. Criteria: Natera Variant Classification Schema (03/2026). Collection method: clinical testing. Allele origin: germline.
Comment: The c.944-1G>C variant in NDRG1 is a canonical splice acceptor site variant predicted to affect pre-mRNA splicing, which may result in an abnormal transcript and altered protein product. This variant may result in a truncated or dysfunctional protein product. This variant is rare in the general population with a frequency below the threshold expected for the associated phenotype(s). Another variant at this same site results in an alteration predicted to cause a similar molecular effect has been observed in individual(s) with the associated phenotype. Given the available evidence, this variant is classified as Likely Pathogenic.